The following is an entry in ClinVar:

NM_058216.3(RAD51C):c.487A>G (p.Ser163Gly)

Gene: RAD51C (RAD51 paralog C; plus strand). Cytogenetic location: 17q22.
Variant type: single nucleotide variant.
Coding change: c.487A>G on transcript NM_058216.3 (MANE Select); coding-DNA position 487, A replaced by G.
Protein change: p.Ser163Gly; replaces serine 163 with glycine.
Molecular consequence: missense variant.
Genome position (GRCh38, 1-based): chr17:58,696,775, A>G. VCF-style: chr17-58696775-A-G. GRCh37 (hg19) VCF-style: chr17-56774136-A-G.
Other names: short protein forms S163G.
Identifiers: ClinVar variation 630132 (VCV000630132.22), dbSNP rs776904180, ClinGen allele CA8677247.

ClinVar aggregate classification (germline): Uncertain significance. Review status: criteria provided, multiple submitters, no conflicts (2 of 4 stars). 7 submissions from 7 submitters: Uncertain significance (7). Last evaluated 2025-10-22.

Conditions:
Hereditary cancer-predisposing syndrome. Also called: Tumor predisposition; Neoplastic Syndromes, Hereditary; Hereditary Cancer Syndrome; Hereditary neoplastic syndrome. Identifiers: Orphanet 140162, MedGen C0027672, MeSH D009386, MONDO:0015356.
Fanconi anemia complementation group O. Also called: RAD51C-Related Fanconi Anemia. Identifiers: Orphanet 84, MedGen C3150653, MONDO:0013248, OMIM 613390.
Breast-ovarian cancer, familial, susceptibility to, 3. Also called: RAD51C-Related Breast/Ovarian Cancer. Identifiers: Orphanet 145, MedGen C3150659, MONDO:0013253, OMIM 613399.

Allele frequency attached by ClinVar (database versions not stated): TOPMed below 0.00001; gnomAD exomes 0.00001; ExAC 0.00002.

Submissions (7):

Ambry Genetics
Classification: Uncertain significance for Hereditary cancer-predisposing syndrome. Last evaluated: 2025-10-22. Review status: criteria provided, single submitter. Criteria: Ambry Variant Classification Scheme 2023. Collection method: clinical testing. Allele origin: germline.
Comment: The p.S163G variant (also known as c.487A>G), located in coding exon 3 of the RAD51C gene, results from an A to G substitution at nucleotide position 487. The serine at codon 163 is replaced by glycine, an amino acid with similar properties. This amino acid position is highly conserved in available vertebrate species. In addition, the in silico prediction for this alteration is inconclusive. Since supporting evidence is limited at this time, the clinical significance of this alteration remains unclear.

Labcorp Genetics (formerly Invitae), Labcorp
Classification: Uncertain significance for Fanconi anemia complementation group O. Last evaluated: 2025-10-07. Review status: criteria provided, single submitter. Criteria: Invitae Variant Classification Sherloc (09022015). Collection method: clinical testing. Allele origin: germline.
Comment: This sequence change replaces serine, which is neutral and polar, with glycine, which is neutral and non-polar, at codon 163 of the RAD51C protein (p.Ser163Gly). This variant is present in population databases (rs776904180, gnomAD 0.006%). This variant has not been reported in the literature in individuals affected with RAD51C-related conditions. ClinVar contains an entry for this variant (Variation ID: 630132). Invitae Evidence Modeling of protein sequence and biophysical properties (such as structural, functional, and spatial information, amino acid conservation, physicochemical variation, residue mobility, and thermodynamic stability) indicates that this missense variant is not expected to disrupt RAD51C protein function with a negative predictive value of 80%. In summary, the available evidence is currently insufficient to determine the role of this variant in disease. Therefore, it has been classified as a Variant of Uncertain Significance.

Center for Genomic Medicine, Rigshospitalet, Copenhagen University Hospital
Classification: Uncertain significance. Last evaluated: 2025-03-04. Review status: criteria provided, single submitter. Criteria: ACMG Guidelines, 2015. Collection method: clinical testing. Allele origin: germline.

Baylor Genetics
Classification: Uncertain significance for Breast-ovarian cancer, familial, susceptibility to, 3. Last evaluated: 2023-05-14. Review status: criteria provided, single submitter. Criteria: ACMG Guidelines, 2015. Collection method: clinical testing. Allele origin: unknown.

Fulgent Genetics
Classification: Uncertain significance for Fanconi anemia complementation group O; Breast-ovarian cancer, familial, susceptibility to, 3. Last evaluated: 2022-05-09. Review status: criteria provided, single submitter. Criteria: ACMG Guidelines, 2015. Collection method: clinical testing. Allele origin: unknown.

Sema4
Classification: Uncertain significance for Hereditary cancer-predisposing syndrome. Last evaluated: 2021-07-09. Review status: criteria provided, single submitter. Criteria: Sema4 Curation Guidelines. Collection method: curation. Allele origin: germline.
Comment: The RAD51C c.487A>G (p.S163G) variant has not been reported in literature to our knowledge. This variant was observed in 1/18394 chromosomes in the East Asian population, according to the Genome Aggregation Database (PMID: 32461654). This variant has been reported in ClinVar (Variation ID 630132). In silico tools suggest the impact of the variant on protein function is inconclusive, though these predictions have not been confirmed by functional studies. The overall evidence is insufficient to meet ACMG/AMP criteria for classifying it as benign or pathogenic. In summary, the clinical significance of this variant is currently uncertain.

Color Diagnostics, LLC DBA Color Health
Classification: Uncertain significance for Hereditary cancer-predisposing syndrome. Last evaluated: 2019-01-30. Review status: criteria provided, single submitter. Criteria: ACMG Guidelines, 2015. Collection method: clinical testing. Allele origin: germline.